The following is an entry in ClinVar:

NM_024747.6(HPS6):c.503_504del (p.Leu168fs)

Gene: HPS6 (HPS6 biogenesis of lysosomal organelles complex 2 subunit 3; plus strand). Cytogenetic location: 10q24.32.
Variant type: Deletion.
Coding change: c.503_504del on transcript NM_024747.6 (MANE Select); coding-DNA positions 503 to 504, 2 bases deleted (TG; older notation c.503_504delTG).
Protein change: p.Leu168fs; shifts the reading frame from leucine 168.
Molecular consequence: frameshift variant.
Genome position (GRCh38, 1-based): chr10:102,065,977-102,065,978, TG deleted. VCF-style (leftmost placement, unchanged base first): chr10-102065976-CTG-C. GRCh37 (hg19) VCF-style: chr10-103825733-CTG-C.
Other names: c.503_504delTG (NM_024747.6); short protein forms L168fs.
Identifiers: ClinVar variation 2418963 (VCV002418963.7), dbSNP rs2540986756, ClinGen allele CA1139532379.

ClinVar aggregate classification (germline): Pathogenic. Review status: criteria provided, multiple submitters, no conflicts (2 of 4 stars). 2 submissions from 2 submitters: Pathogenic (2). Last evaluated 2025-01-01.

Conditions:
Hermansky-Pudlak syndrome 6 (HPS6). Identifiers: Orphanet 231512, Orphanet 79430, MedGen C3888007, MONDO:0013558, OMIM 614075.

Submissions (2):

Laboratory of Genetic Epidemiology, Research Centre for Medical Genetics
Classification: Pathogenic for Hermansky-Pudlak syndrome 6. Last evaluated: 2025-01-01. Review status: criteria provided, single submitter. Criteria: ACMG Guidelines, 2015. Collection method: clinical testing. Allele origin: biparental. Inheritance: Autosomal recessive inheritance. Affected: yes. Observed: 1 homozygote.
Comment: This variant has been previously reported in the literature (PMIDs: 30387913, 32725903) and is not listed in gnomAD v3.1.2. Taken together, the variant meets the following ACMG/AMP criteria and can be classified as pathogenic with PM2, PVS1, PM3, PP4 criteria.

Labcorp Genetics (formerly Invitae), Labcorp
Classification: Pathogenic. Last evaluated: 2023-05-11. Review status: criteria provided, single submitter. Criteria: Invitae Variant Classification Sherloc (09022015). Collection method: clinical testing. Allele origin: germline.
Comment: This sequence change creates a premature translational stop signal (p.Leu168Argfs*7) in the HPS6 gene. While this is not anticipated to result in nonsense mediated decay, it is expected to disrupt the last 608 amino acid(s) of the HPS6 protein. This variant is not present in population databases (gnomAD no frequency). This premature translational stop signal has been observed in individual(s) with Hermansky-Pudlak syndrome (PMID: 30387913, 32725903). In at least one individual the data is consistent with being in trans (on the opposite chromosome) from a pathogenic variant. ClinVar contains an entry for this variant (Variation ID: 2418963). This variant disrupts a region of the HPS6 protein in which other variant(s) (p.Gln305*) have been determined to be pathogenic (PMID: 19843503). This suggests that this is a clinically significant region of the protein, and that variants that disrupt it are likely to be disease-causing. For these reasons, this variant has been classified as Pathogenic.

Literature cited by the submitters: PubMed 30387913 (cited by Laboratory of Genetic Epidemiology, Research Centre for Medical Genetics and Labcorp Genetics (formerly Invitae), Labcorp); PubMed 32725903 (cited by Laboratory of Genetic Epidemiology, Research Centre for Medical Genetics and Labcorp Genetics (formerly Invitae), Labcorp); PubMed 41428507 (cited by Laboratory of Genetic Epidemiology, Research Centre for Medical Genetics); PubMed 19843503 (cited by Labcorp Genetics (formerly Invitae), Labcorp).